The following is an entry in ClinVar:

ClinVar aggregate classification (germline): Uncertain significance (0 of 4 stars; one submission).

Conditions:
TRIO-related disorder. Also called: TRIO-related condition; TRIO-related disorders.

Submission:

PreventionGenetics, part of Exact Sciences
Classification: Uncertain significance for TRIO-related condition. Last evaluated: 2024-09-11. Review status: no assertion criteria provided. Collection method: clinical testing. Allele origin: germline.
Comment: The TRIO c.220G>T variant is predicted to result in the amino acid substitution p.Ala74Ser. To our knowledge, this variant has not been reported in the literature or in a large population database, indicating this variant is rare. At this time, the clinical significance of this variant is uncertain due to the absence of conclusive functional and genetic evidence.

NM_007118.4(TRIO):c.220G>T (p.Ala74Ser)

Gene: TRIO (trio Rho guanine nucleotide exchange factor; plus strand). Cytogenetic location: 5p15.2.
Variant type: single nucleotide variant.
Coding change: c.220G>T on transcript NM_007118.4 (MANE Select); coding-DNA position 220, G replaced by T.
Protein change: p.Ala74Ser; replaces alanine 74 with serine.
Molecular consequence: missense variant. On other transcripts: non-coding transcript variant (1).
Genome position (GRCh38, 1-based): chr5:14,270,887, G>T. VCF-style: chr5-14270887-G-T. GRCh37 (hg19) VCF-style: chr5-14270996-G-T.
Other names: short protein forms A74S.
Identifiers: ClinVar variation 3345835 (VCV003345835.1).
Genomic context (GRCh38, chr5:14,270,887, plus strand): 5'-TTTCGAAAAAACGATGAAATGAAAGCTATGGATGTTTTACCAATTTTGAAGGAAAAAGTT[G>T]CATACCTTTCAGGTAAAGTTTAACTTTCAACTCTGCTCTATCCAACTGCTCTGACACAAT-3'
Protein context (NP_009049.2, residues 64-84): DVLPILKEKV[Ala74Ser]YLSGGRDKRG